The following is an entry in ClinVar:

ClinVar aggregate classification (germline): Benign. Review status: reviewed by expert panel (3 of 4 stars). 11 submissions from 10 submitters: Benign (1). 10 of the submissions do not count toward it. Last evaluated 2025-09-29.

Conditions:
AIPL1-related retinopathy. Also called: AIPL1 retinopathy. Identifiers: MedGen CN305590, MONDO:0100438.
Leber congenital amaurosis 4 (LCA4). Identifiers: MedGen C1858386, MONDO:0011458, OMIM 604393.
Retinitis pigmentosa (RP). Identifiers: Orphanet 791, MedGen C0035334, MeSH D012174, MONDO:0019200, OMIM 268000. Inheritance: Autosomal dominant, autosomal recessive and X linked inheritance.
Leber congenital amaurosis 1 (LCA1). Also called: AMAUROSIS CONGENITA OF LEBER I; Congenital absence of the rods and cones; Leber's congenital tapetoretinal degeneration; Leber's congenital tapetoretinal dysplasia; RETINAL BLINDNESS, CONGENITAL. Identifiers: Orphanet 65, MedGen C2931258, MONDO:0008764, OMIM 204000.

Allele frequency attached by ClinVar (database versions not stated): ESP Exome Variant Server 0.16539; 1000 Genomes Project 30x 0.17708; TOPMed 0.17761; 1000 Genomes Project 0.17991; gnomAD 0.19586.
gnomAD v4.1: 319,260 of 1,603,474 alleles (20%); highest among the groups gnomAD compares: East Asian, 35%; 33,640 homozygotes.

Submissions (11):

ClinGen Leber Congenital Amaurosis/early Onset Retinal Dystrophy Variant Curation Expert Panel, ClinGen
Classification: Benign for AIPL1-related retinopathy. Last evaluated: 2025-09-29. Review status: reviewed by expert panel. Criteria: ClinGen LCAeoRD ACMG Specifications AIPL1 V1.0.0. Collection method: curation. Allele origin: germline. Inheritance: Autosomal recessive inheritance.
Comment: NM_014336.5(AIPL1):c.268G>C (p.Asp90His) is a missense variant in exon 2 of 6. The variant is predicted to change the amino acid aspartic acid at position p.90 to histidine. This variant is present in gnomAD v.4.1.0 at a GrpMax allele frequency of 0.3476, with 15,766 alleles / 44,766 total alleles in the East Asian population, which is higher than the ClinGen LCA/eoRD VCEP BA1 threshold of >0.0057 (BA1). Additionally, the variant has been found in the homozygous state in 33640 adult individuals in gnomAD which exceeds the LCA/eoRD VCEP threshold of ≥6 (gnomAD version 4.1.0; BS2). The computational predictor REVEL gives a score of 0.612, which is below the ClinGen LCA/eoRD VCEP threshold of ≥0.644 for PP3 and above the threshold of <0.290 for BP4. Additionally, the splicing impact predictor SpliceAI gives a score of 0.01, which predicts a low or indeterminate impact on splicing. Neither PP3 nor BP4 is met. In summary, this variant meets the criteria to be classified as Benign for AIPL1-related retinopathy based on the ACMG/AMP criteria applied, as specified by the ClinGen LCA/eoRD VCEP: BA1 and BS2. (VCEP specifications version 1.0.0; date of approval 09/24/2025).

Labcorp Genetics (formerly Invitae), Labcorp
Classification: Benign for Leber congenital amaurosis 4. Last evaluated: 2026-02-04. Review status: criteria provided, single submitter. Criteria: Invitae Variant Classification Sherloc (09022015). Collection method: clinical testing. Allele origin: germline. Not counted in ClinVar's aggregate classification.

ARUP Laboratories, Molecular Genetics and Genomics, ARUP Laboratories
Classification: Benign. Last evaluated: 2023-11-29. Review status: criteria provided, single submitter. Criteria: ARUP Molecular Germline Variant Investigation Process 2024. Collection method: clinical testing. Allele origin: germline. Not counted in ClinVar's aggregate classification.

Fulgent Genetics
Classification: Benign for Retinitis pigmentosa; Leber congenital amaurosis 4. Last evaluated: 2021-09-20. Review status: criteria provided, single submitter. Criteria: ACMG Guidelines, 2015. Collection method: clinical testing. Allele origin: unknown. Not counted in ClinVar's aggregate classification.

Mendelics
Classification: Benign for Leber congenital amaurosis 1. Last evaluated: 2019-05-28. Review status: criteria provided, single submitter. Criteria: Mendelics Assertion Criteria 2017. Collection method: clinical testing. Allele origin: unknown. Not counted in ClinVar's aggregate classification.

Illumina Laboratory Services, Illumina
Classification: Benign for Retinitis pigmentosa. Last evaluated: 2018-01-12. Review status: criteria provided, single submitter. Criteria: ICSL Variant Classification Criteria 13 December 2019. Collection method: clinical testing. Allele origin: germline. Not counted in ClinVar's aggregate classification.
Comment: This variant was observed in the ICSL laboratory as part of a predisposition screen in an ostensibly healthy population. It had not been previously curated by ICSL or reported in the Human Gene Mutation Database (HGMD: prior to June 1st, 2018), and was therefore a candidate for classification through an automated scoring system. Utilizing variant allele frequency, disease prevalence and penetrance estimates, and inheritance mode, an automated score was calculated to assess if this variant is too frequent to cause the disease. Based on the score and internal cut-off values, a variant classified as benign is not then subjected to further curation. The score for this variant resulted in a classification of benign for this disease.

Illumina Laboratory Services, Illumina
Classification: Benign for Leber congenital amaurosis 4. Last evaluated: 2018-01-12. Review status: criteria provided, single submitter. Criteria: ICSL Variant Classification Criteria 13 December 2019. Collection method: clinical testing. Allele origin: germline. Not counted in ClinVar's aggregate classification.
Comment: the same text as in the submission from Illumina Laboratory Services, Illumina above.

GeneDx
Classification: Benign. Last evaluated: 2015-03-03. Review status: criteria provided, single submitter. Criteria: GeneDx Variant Classification Process June 2021. Collection method: clinical testing. Allele origin: germline. Affected: yes. Not counted in ClinVar's aggregate classification.

Breakthrough Genomics
Classification: Likely benign. Review status: criteria provided, single submitter. Criteria: ACMG Guidelines, 2015. Collection method: not provided. Allele origin: germline. Inheritance: Autosomal recessive inheritance. Affected: yes. Not counted in ClinVar's aggregate classification.

PreventionGenetics, part of Exact Sciences
Classification: Benign. Review status: criteria provided, single submitter. Criteria: ACMG Guidelines, 2015. Collection method: clinical testing. Allele origin: germline. Not counted in ClinVar's aggregate classification.

Retina International
No classification provided. Review status: no classification provided. Collection method: not provided. Allele origin: unknown. Not counted in ClinVar's aggregate classification.

NM_014336.5(AIPL1):c.268G>C (p.Asp90His)

Gene: AIPL1 (AIP like 1 HSP90 co-chaperone; minus strand). Cytogenetic location: 17p13.2.
Variant type: single nucleotide variant.
Coding change: c.268G>C on transcript NM_014336.5 (MANE Select); coding-DNA position 268, G replaced by C.
Protein change: p.Asp90His; replaces aspartic acid 90 with histidine.
Molecular consequence: missense variant. On other transcripts: intron variant (1).
Genome position (GRCh38, 1-based): chr17:6,433,927, C>G on the plus strand (G>C on the coding strand, the complement: AIPL1 is on the minus strand). VCF-style: chr17-6433927-C-G. GRCh37 (hg19) VCF-style: chr17-6337247-C-G.
Other names: NM_014336.5(AIPL1):c.268G>C; c.268G>C, p.Asp90His (NM_001033054.3, NM_001285401.3, NM_001285403.4); c.232G>C, p.Asp78His (NM_001285399.3); c.202G>C, p.Asp68His (NM_001285400.3); c.151G>C, p.Asp51His (NM_001285402.2); c.96+1082G>C (NM_001033055.3); short protein forms D90H, D51H, D68H, D78H.
Identifiers: ClinVar variation 99794 (VCV000099794.32), dbSNP rs12449580, ClinGen allele CA227874.